The following is an entry in ClinVar:

ClinVar aggregate classification (germline): Pathogenic. Review status: reviewed by expert panel (3 of 4 stars). 2 submissions from 2 submitters: Pathogenic (1). 1 of the submissions does not count toward it. Last evaluated 2016-10-18.

Conditions:
Breast-ovarian cancer, familial, susceptibility to, 2 (BROVCA2). Also called: BRCA2 Hereditary Breast and Ovarian Cancer. Identifiers: Orphanet 145, MedGen C2675520, MONDO:0012933, OMIM 612555. Disease mechanism: loss of function.

Submissions (2):

Evidence-based Network for the Interpretation of Germline Mutant Alleles (ENIGMA)
Classification: Pathogenic for Breast-ovarian cancer, familial, susceptibility to, 2. Last evaluated: 2016-10-18. Review status: reviewed by expert panel. Criteria: ENIGMA BRCA1/2 Classification Criteria (2015). Collection method: curation. Allele origin: germline.
Comment: Variant allele predicted to encode a truncated non-functional protein.

Consortium of Investigators of Modifiers of BRCA1/2 (CIMBA), c/o University of Cambridge
Classification: Pathogenic for Breast-ovarian cancer, familial, susceptibility to, 2. Last evaluated: 2015-10-02. Review status: criteria provided, single submitter. Criteria: CIMBA Mutation Classification guidelines May 2016. Collection method: clinical testing. Allele origin: germline. Not counted in ClinVar's aggregate classification.

NM_000059.4(BRCA2):c.7355del (p.Asn2452fs)

Gene: BRCA2 (BRCA2 DNA repair associated; plus strand). Cytogenetic location: 13q13.1.
Variant type: Deletion.
Coding change: c.7355del on transcript NM_000059.4 (MANE Select); coding-DNA position 7355, one base deleted (A; older notation c.7355delA).
Protein change: p.Asn2452fs; shifts the reading frame from asparagine 2452.
Molecular consequence: frameshift variant.
Genome position (GRCh38, 1-based): chr13:32,355,208, A deleted; the last of 2 consecutive A bases (chr13:32,355,207-32,355,208); deleting either gives the same sequence. VCF-style (leftmost placement, unchanged base first): chr13-32355206-CA-C. GRCh37 (hg19) VCF-style: chr13-32929343-CA-C.
Other names: 7583delA; short protein forms N2452fs.
Identifiers: ClinVar variation 267002 (VCV000267002.5), dbSNP rs886040700, ClinGen allele CA10589423.
Genomic context (GRCh38, chr13:32,355,206, plus strand): 5'-CAGACAAAAGCAAAACATTGATGGACATGGCTCTGATGATAGTAAAAATAAGATTAATGA[CA>C]ATGAGATTCATCAGTTTAACAAAAACAACTCCAATCAAGCAGTAGCTGTAACTTTCACAA-3'